The following is an entry in ClinVar:

ClinVar aggregate classification (germline): Benign (1 of 4 stars; one submission).

Submission:

GeneDx
Classification: Benign. Last evaluated: 2018-06-14. Review status: criteria provided, single submitter. Criteria: GeneDx Variant Classification (06012015). Collection method: clinical testing. Allele origin: germline. Affected: yes.
Comment: This variant is considered likely benign or benign based on one or more of the following criteria: it is a conservative change, it occurs at a poorly conserved position in the protein, it is predicted to be benign by multiple in silico algorithms, and/or has population frequency not consistent with disease.

NM_000093.5(COL5A1):c.2485-39_2485-38insTGT

Gene: COL5A1 (collagen type V alpha 1 chain; plus strand). Cytogenetic location: 9q34.3.
Variant type: Insertion.
Coding change: c.2485-39_2485-38insTGT on transcript NM_000093.5 (MANE Select); 39 bases into the intron before coding-DNA position 2485 through 38 bases into the intron before coding-DNA position 2485, TGT inserted.
Molecular consequence: intron variant.
Genome position: GRCh38 VCF-style: chr9-134784950-G-GTGT. GRCh37 (hg19) VCF-style: chr9-137676796-G-GTGT.
Other names: c.2485-39_2485-38insTGT (NM_001278074.1).
Identifiers: ClinVar variation 674561 (VCV000674561.1), dbSNP rs779225921, ClinGen allele CA5319402.